The following is an entry in ClinVar:

ClinVar aggregate classification (germline): Uncertain significance. Review status: criteria provided, multiple submitters, no conflicts (2 of 4 stars). 2 submissions from 2 submitters: Uncertain significance (2). Last evaluated 2023-11-28.

Conditions:
Primary ciliary dyskinesia. Also called: Ciliary dyskinesia. Identifiers: Orphanet 244, MedGen C0008780, MONDO:0016575, HP:0012265.

Allele frequency attached by ClinVar (database versions not stated): gnomAD 0.00003; ExAC 0.00008; 1000 Genomes Project 0.00060; 1000 Genomes Project 30x 0.00062.
gnomAD v4.1: 36 of 1,561,014 alleles (0.0023%); highest among the groups gnomAD compares: South Asian, 0.037%; 1 homozygote.

Submissions (2):

Labcorp Genetics (formerly Invitae), Labcorp
Classification: Uncertain significance for Primary ciliary dyskinesia. Last evaluated: 2023-11-28. Review status: criteria provided, single submitter. Criteria: Invitae Variant Classification Sherloc (09022015). Collection method: clinical testing. Allele origin: germline.
Comment: This sequence change replaces aspartic acid, which is acidic and polar, with valine, which is neutral and non-polar, at codon 1043 of the DNAH8 protein (p.Asp1043Val). This variant is present in population databases (rs546536222, gnomAD 0.05%). This variant has not been reported in the literature in individuals affected with DNAH8-related conditions. ClinVar contains an entry for this variant (Variation ID: 2512872). Experimental studies and prediction algorithms are not available or were not evaluated, and the functional significance of this variant is currently unknown. In summary, the available evidence is currently insufficient to determine the role of this variant in disease. Therefore, it has been classified as a Variant of Uncertain Significance.

Ambry Genetics
Classification: Uncertain significance. Last evaluated: 2023-06-06. Review status: criteria provided, single submitter. Criteria: Ambry Variant Classification Scheme 2023. Collection method: clinical testing. Allele origin: germline.

NM_001206927.2(DNAH8):c.3128A>T (p.Asp1043Val)

Gene: DNAH8 (dynein axonemal heavy chain 8; plus strand). Cytogenetic location: 6p21.2.
Variant type: single nucleotide variant.
Coding change: c.3128A>T on transcript NM_001206927.2 (MANE Select); coding-DNA position 3128, A replaced by T.
Protein change: p.Asp1043Val; replaces aspartic acid 1043 with valine.
Molecular consequence: missense variant.
Genome position (GRCh38, 1-based): chr6:38,805,574, A>T. VCF-style: chr6-38805574-A-T. GRCh37 (hg19) VCF-style: chr6-38773350-A-T.
Other names: c.2477A>T, p.Asp826Val (NM_001371.4); short protein forms D1043V, D826V.
Identifiers: ClinVar variation 2512872 (VCV002512872.5), dbSNP rs546536222, ClinGen allele CA3788729.